The following is an entry in ClinVar:

ClinVar aggregate classification (germline): Uncertain significance. Review status: criteria provided, multiple submitters, no conflicts (2 of 4 stars). 3 submissions from 3 submitters: Uncertain significance (3). Last evaluated 2026-08-10.

Conditions:
INPP5E-related disorder. Also called: INPP5E-related condition.
Joubert syndrome. Also called: JOUBERT-BOLTSHAUSER SYNDROME; Familial aplasia of the vermis. Identifiers: Orphanet 475, MedGen C5979921, MONDO:0018772.
Inborn genetic diseases. Identifiers: MedGen C0950123, MeSH D030342.

Allele frequency attached by ClinVar (database versions not stated): gnomAD exomes 0.00001; TOPMed 0.00002; gnomAD 0.00003 and 0.00004.
gnomAD v4.1: 21 of 1,464,654 alleles (0.0014%); highest among the groups gnomAD compares: Non-Finnish European, 0.0017%; no homozygotes.

Submissions (3):

PreventionGenetics, part of Exact Sciences
Classification: Uncertain significance for INPP5E-related condition. Last evaluated: 2026-08-10. Review status: criteria provided, single submitter. Criteria: ACMG Guidelines, 2015. Collection method: clinical testing. Allele origin: germline.
Comment: The INPP5E c.10A>C variant is predicted to result in the amino acid substitution p.Lys4Gln. To our knowledge, this variant has not been reported in the literature. This variant is reported in 0.012% of alleles in individuals of African descent in gnomAD. At this time, the clinical significance of this variant is uncertain due to the absence of conclusive functional and genetic evidence.

Ambry Genetics
Classification: Uncertain significance for Inborn genetic diseases. Last evaluated: 2025-07-15. Review status: criteria provided, single submitter. Criteria: Ambry Variant Classification Scheme 2023. Collection method: clinical testing. Allele origin: germline.

Labcorp Genetics (formerly Invitae), Labcorp
Classification: Uncertain significance for Joubert syndrome. Last evaluated: 2021-10-15. Review status: criteria provided, single submitter. Criteria: Invitae Variant Classification Sherloc (09022015). Collection method: clinical testing. Allele origin: germline.
Comment: In summary, the available evidence is currently insufficient to determine the role of this variant in disease. Therefore, it has been classified as a Variant of Uncertain Significance. Algorithms developed to predict the effect of sequence changes on RNA splicing suggest that this variant may create or strengthen a splice site. Advanced modeling of protein sequence and biophysical properties (such as structural, functional, and spatial information, amino acid conservation, physicochemical variation, residue mobility, and thermodynamic stability) performed at Invitae indicates that this missense variant is not expected to disrupt INPP5E protein function. This variant has not been reported in the literature in individuals affected with INPP5E-related conditions. The frequency data for this variant in the population databases is considered unreliable, as metrics indicate insufficient coverage at this position in the ExAC database. This sequence change replaces lysine with glutamine at codon 4 of the INPP5E protein (p.Lys4Gln). The lysine residue is weakly conserved and there is a small physicochemical difference between lysine and glutamine.

NM_019892.6(INPP5E):c.10A>C (p.Lys4Gln)

Gene: INPP5E (inositol polyphosphate-5-phosphatase E; minus strand). Cytogenetic location: 9q34.3.
Variant type: single nucleotide variant.
Coding change: c.10A>C on transcript NM_019892.6 (MANE Select); coding-DNA position 10, A replaced by C.
Protein change: p.Lys4Gln; replaces lysine 4 with glutamine.
Molecular consequence: missense variant.
Genome position (GRCh38, 1-based): chr9:136,439,410, T>G on the plus strand (A>C on the coding strand, the complement: INPP5E is on the minus strand). VCF-style: chr9-136439410-T-G. GRCh37 (hg19) VCF-style: chr9-139333862-T-G.
Other names: c.10A>C (NM_019892.5, NM_019892.4); c.10A>C, p.Lys4Gln (NM_001318502.2); short protein forms K4Q.
Identifiers: ClinVar variation 1441434 (VCV001441434.7), dbSNP rs894617448, ClinGen allele CA201649520.
Genomic context (GRCh38, chr9:136,439,410, plus strand): 5'-GGAGCGTCCTCCCTTCCGGCGGCTGCGGGGCCGGCTCGGAGGGCCGCAGATTCTCCGCCT[T>G]GGACGGCATGGACGGTCTCTCCCGGGGCAGGCCTCGGCGCGAGGCCGCAGGCAGCGCGAG-3'
Protein context (NP_063945.2, residues 1-14): MPS[Lys4Gln]AENLRPSEPA